The following is an entry in ClinVar:

ClinVar aggregate classification (germline): Uncertain significance (1 of 4 stars; one submission).

Submission:

Women's Health and Genetics/Laboratory Corporation of America, LabCorp
Classification: Uncertain significance. Last evaluated: 2025-09-18. Review status: criteria provided, single submitter. Criteria: LabCorp Variant Classification Summary - May 2015. Collection method: clinical testing. Allele origin: germline.
Comment: Variant summary: ABCA3 c.839G>C (p.Arg280Pro) results in a non-conservative amino acid change in the encoded protein sequence. Algorithms developed to predict the effect of missense changes on protein structure and function all suggest that this variant is likely to be disruptive. The variant was absent in 250544 control chromosomes (gnomAD). The available data on variant occurrences in the general population are insufficient to allow any conclusion about variant significance. To our knowledge, no occurrence of c.839G>C in individuals affected with ABCA3-related conditions and no experimental evidence demonstrating its impact on protein function have been reported. No submitters have cited clinical-significance assessments for this variant to ClinVar. Based on the evidence outlined above, the variant was classified as uncertain significance.

NM_001089.3(ABCA3):c.839G>C (p.Arg280Pro)

Gene: ABCA3 (ATP binding cassette subfamily A member 3; minus strand). Cytogenetic location: 16p13.3.
Variant type: single nucleotide variant.
Coding change: c.839G>C on transcript NM_001089.3 (MANE Select); coding-DNA position 839, G replaced by C.
Protein change: p.Arg280Pro; replaces arginine 280 with proline.
Molecular consequence: missense variant.
Genome position (GRCh38, 1-based): chr16:2,319,615, C>G on the plus strand (G>C on the coding strand, the complement: ABCA3 is on the minus strand). VCF-style: chr16-2319615-C-G. GRCh37 (hg19) VCF-style: chr16-2369616-C-G.
Other names: short protein forms R280P.
Identifiers: ClinVar variation 4536134 (VCV004536134.1).
Genomic context (GRCh38, chr16:2,319,615, plus strand): 5'-GTTGGGGAGCCAAAGCGGGCAGTCACCTTCAGCCTCCTTTCCTTCTCCTGCACGACAGCA[C>G]GGGCAATGGTGAGCGCGGTGTAGGTGAAGCTGAGCAGCAGCAGCAGGGGCAGCTGGTACT-3'
Protein context (NP_001080.2, residues 270-290): SFTYTALTIA[Arg280Pro]AVVQEKERRL